The following is an entry in ClinVar:

NM_003803.4(MYOM1):c.4766C>T (p.Ala1589Val)

Gene: MYOM1 (myomesin 1; minus strand). Cytogenetic location: 18p11.31.
Variant type: single nucleotide variant.
Coding change: c.4766C>T on transcript NM_003803.4 (MANE Select); coding-DNA position 4766, C replaced by T.
Protein change: p.Ala1589Val; replaces alanine 1589 with valine.
Molecular consequence: missense variant.
Genome position (GRCh38, 1-based): chr18:3,067,554, G>A on the plus strand (C>T on the coding strand, the complement: MYOM1 is on the minus strand). VCF-style: chr18-3067554-G-A. GRCh37 (hg19) VCF-style: chr18-3067552-G-A.
Other names: c.4478C>T, p.Ala1493Val (NM_019856.2); short protein forms A1493V, A1589V.
Identifiers: ClinVar variation 4752952 (VCV004752952.1).

ClinVar aggregate classification (germline): Uncertain significance (1 of 4 stars; one submission).

Conditions:
Hypertrophic cardiomyopathy. Also called: HYPERTROPHIC MYOCARDIOPATHY. Identifiers: Orphanet 217569, MedGen C0007194, MeSH D002312, MONDO:0005045, HP:0001639.

Submission:

Labcorp Genetics (formerly Invitae), Labcorp
Classification: Uncertain significance for Hypertrophic cardiomyopathy. Last evaluated: 2025-12-02. Review status: criteria provided, single submitter. Criteria: Invitae Variant Classification Sherloc (09022015). Collection method: clinical testing. Allele origin: germline.
Comment: This sequence change replaces alanine, which is neutral and non-polar, with valine, which is neutral and non-polar, at codon 1589 of the MYOM1 protein (p.Ala1589Val). This variant is not present in population databases (gnomAD no frequency). This variant has not been reported in the literature in individuals affected with MYOM1-related conditions. An algorithm developed to predict the effect of missense changes on protein structure and function (PolyPhen-2) suggests that this variant is likely to be disruptive. In summary, the available evidence is currently insufficient to determine the role of this variant in disease. Therefore, it has been classified as a Variant of Uncertain Significance.